The following is an entry in ClinVar:

NM_020831.6(MRTFA):c.865C>T (p.Pro289Ser)

Gene: MRTFA (myocardin related transcription factor A; minus strand). Cytogenetic location: 22q13.1.
Variant type: single nucleotide variant.
Coding change: c.865C>T on transcript NM_020831.6 (MANE Select); coding-DNA position 865, C replaced by T.
Protein change: p.Pro289Ser; replaces proline 289 with serine.
Molecular consequence: missense variant. On other transcripts: intron variant (1).
Genome position (GRCh38, 1-based): chr22:40,423,598, G>A on the plus strand (C>T on the coding strand, the complement: MRTFA is on the minus strand). VCF-style: chr22-40423598-G-A. GRCh37 (hg19) VCF-style: chr22-40819602-G-A.
Other names: c.565C>T, p.Pro189Ser (NM_001282660.2); c.865C>T, p.Pro289Ser (NM_001282662.3); c.670C>T, p.Pro224Ser (NM_001318139.2); c.777+608C>T (NM_001282661.3); short protein forms P189S, P224S, P289S.
Identifiers: ClinVar variation 1683138 (VCV001683138.6), dbSNP rs1476060790, ClinGen allele CA411665399.
Genomic context (GRCh38, chr22:40,423,598, plus strand): 5'-TAATGAGTGTGGGGGTGGACTTGGCAGTGGGGATAGTGGTTCCATTGGTGAGGCTGGGAG[G>A]CAGCAGAGGTGGGGGAGGCAGAGGAGGCTGCTCTGCCAGGAAAAGCATTTCTCTGGAATC-3'
Protein context (NP_065882.2, residues 279-299): QPPLPPPPLL[Pro289Ser]PSLTNGTTIP

ClinVar aggregate classification (germline): Uncertain significance (1 of 4 stars; one submission).

Allele frequency attached by ClinVar (database versions not stated): gnomAD exomes below 0.00001; TOPMed below 0.00001.
gnomAD v4.1: 2 of 1,596,630 alleles (0.00013%); highest among the groups gnomAD compares: Admixed American, 0.0017%; no homozygotes.

Submission:

Labcorp Genetics (formerly Invitae), Labcorp
Classification: Uncertain significance. Last evaluated: 2022-08-16. Review status: criteria provided, single submitter. Criteria: Invitae Variant Classification Sherloc (09022015). Collection method: clinical testing. Allele origin: germline.
Comment: In summary, the available evidence is currently insufficient to determine the role of this variant in disease. Therefore, it has been classified as a Variant of Uncertain Significance. Algorithms developed to predict the effect of missense changes on protein structure and function (SIFT, PolyPhen-2, Align-GVGD) all suggest that this variant is likely to be tolerated. ClinVar contains an entry for this variant (Variation ID: 1683138). This variant has not been reported in the literature in individuals affected with MKL1-related conditions. The frequency data for this variant in the population databases is considered unreliable, as metrics indicate poor data quality at this position in the gnomAD database. This sequence change replaces proline, which is neutral and non-polar, with serine, which is neutral and polar, at codon 189 of the MKL1 protein (p.Pro189Ser).